The following is an entry in ClinVar:

NM_003579.4(RAD54L):c.143T>G (p.Leu48Arg)

Gene: RAD54L (RAD54 like; plus strand). Cytogenetic location: 1p34.1.
Variant type: single nucleotide variant.
Coding change: c.143T>G on transcript NM_003579.4 (MANE Select); coding-DNA position 143, T replaced by G.
Protein change: p.Leu48Arg; replaces leucine 48 with arginine.
Molecular consequence: missense variant. On other transcripts: 5 prime UTR variant (1).
Genome position (GRCh38, 1-based): chr1:46,250,052, T>G. VCF-style: chr1-46250052-T-G. GRCh37 (hg19) VCF-style: chr1-46715724-T-G.
Other names: c.143T>G, p.Leu48Arg (NM_001142548.2); c.-398T>G (NM_001370766.1); short protein forms L48R.
Identifiers: ClinVar variation 3312481 (VCV003312481.1).
Genomic context (GRCh38, chr1:46,250,052, plus strand): 5'-TCTCCTAGACTCCTAGGAAACGGAAATCCAGCAGTGAGACCCAGATCCAGGAGTGTTTCC[T>G]GTCTCCTTTTCGGAAACCTTTGAGTCAGCTAACCAATCAACCACCTTGTCTGGACAGCAG-3'
Protein context (NP_003570.2, residues 38-58): SSETQIQECF[Leu48Arg]SPFRKPLSQL

ClinVar aggregate classification (germline): Uncertain significance (1 of 4 stars; one submission).

Submission:

Ambry Genetics
Classification: Uncertain significance. Last evaluated: 2024-05-25. Review status: criteria provided, single submitter. Criteria: Ambry Variant Classification Scheme 2023. Collection method: clinical testing. Allele origin: germline.
Comment: The p.L48R variant (also known as c.143T>G), located in coding exon 3 of the RAD54L gene, results from a T to G substitution at nucleotide position 143. The leucine at codon 48 is replaced by arginine, an amino acid with dissimilar properties. This amino acid position is conserved. In addition, this alteration is predicted to be tolerated by in silico analysis. Based on the available evidence, the clinical significance of this variant remains unclear.